The following is an entry in ClinVar:

NM_153000.5(APCDD1):c.674A>C (p.His225Pro)

Gene: APCDD1 (APC down-regulated 1; plus strand). Cytogenetic location: 18p11.22.
Variant type: single nucleotide variant.
Coding change: c.674A>C on transcript NM_153000.5 (MANE Select); coding-DNA position 674, A replaced by C.
Protein change: p.His225Pro; replaces histidine 225 with proline.
Molecular consequence: missense variant.
Genome position (GRCh38, 1-based): chr18:10,471,961, A>C. VCF-style: chr18-10471961-A-C. GRCh37 (hg19) VCF-style: chr18-10471958-A-C.
Other names: short protein forms H225P.
Identifiers: ClinVar variation 3127773 (VCV003127773.3), dbSNP rs2030869479, ClinGen allele CA401900861.

ClinVar aggregate classification (germline): Uncertain significance. Review status: criteria provided, multiple submitters, no conflicts (2 of 4 stars). 2 submissions from 2 submitters: Uncertain significance (2). Last evaluated 2024-07-30.

Submissions (2):

Labcorp Genetics (formerly Invitae), Labcorp
Classification: Uncertain significance. Last evaluated: 2024-07-30. Review status: criteria provided, single submitter. Criteria: Invitae Variant Classification Sherloc (09022015). Collection method: clinical testing. Allele origin: germline.
Comment: This sequence change replaces histidine, which is basic and polar, with proline, which is neutral and non-polar, at codon 225 of the APCDD1 protein (p.His225Pro). This variant is not present in population databases (gnomAD no frequency). This variant has not been reported in the literature in individuals affected with APCDD1-related conditions. Advanced modeling of protein sequence and biophysical properties (such as structural, functional, and spatial information, amino acid conservation, physicochemical variation, residue mobility, and thermodynamic stability) performed at Invitae indicates that this missense variant is not expected to disrupt APCDD1 protein function with a negative predictive value of 80%. In summary, the available evidence is currently insufficient to determine the role of this variant in disease. Therefore, it has been classified as a Variant of Uncertain Significance.

Ambry Genetics
Classification: Uncertain significance. Last evaluated: 2024-01-08. Review status: criteria provided, single submitter. Criteria: Ambry Variant Classification Scheme 2023. Collection method: clinical testing. Allele origin: germline.